The following is an entry in ClinVar:

ClinVar aggregate classification (germline): Uncertain significance (1 of 4 stars; one submission).

gnomAD v4.1: 1 of 1,614,260 alleles (0.000062%); highest among the groups gnomAD compares: South Asian, 0.0011%; no homozygotes.

Submission:

Labcorp Genetics (formerly Invitae), Labcorp
Classification: Uncertain significance. Last evaluated: 2025-10-09. Review status: criteria provided, single submitter. Criteria: Invitae Variant Classification Sherloc (09022015). Collection method: clinical testing. Allele origin: germline.
Comment: This sequence change replaces serine, which is neutral and polar, with isoleucine, which is neutral and non-polar, at codon 1070 of the ABCB4 protein (p.Ser1070Ile). This variant is not present in population databases (gnomAD no frequency). This variant has not been reported in the literature in individuals affected with ABCB4-related conditions. Invitae Evidence Modeling of protein sequence and biophysical properties (such as structural, functional, and spatial information, amino acid conservation, physicochemical variation, residue mobility, and thermodynamic stability) indicates that this missense variant is expected to disrupt ABCB4 protein function with a positive predictive value of 80%. In summary, the available evidence is currently insufficient to determine the role of this variant in disease. Therefore, it has been classified as a Variant of Uncertain Significance.

NM_000443.4(ABCB4):c.3209G>T (p.Ser1070Ile)

Gene: ABCB4 (ATP binding cassette subfamily B member 4; minus strand). Cytogenetic location: 7q21.12.
Variant type: single nucleotide variant.
Coding change: c.3209G>T on transcript NM_000443.4 (MANE Select); coding-DNA position 3209, G replaced by T.
Protein change: p.Ser1070Ile; replaces serine 1070 with isoleucine.
Molecular consequence: missense variant.
Genome position (GRCh38, 1-based): chr7:87,408,107, C>A on the plus strand (G>T on the coding strand, the complement: ABCB4 is on the minus strand). VCF-style: chr7-87408107-C-A. GRCh37 (hg19) VCF-style: chr7-87037423-C-A.
Other names: c.3209G>T, p.Ser1070Ile (NM_018849.3); c.3068G>T, p.Ser1023Ile (NM_018850.3); short protein forms S1023I, S1070I.
Identifiers: ClinVar variation 4745618 (VCV004745618.1).
Genomic context (GRCh38, chr7:87,408,107, plus strand): 5'-GCCAAGGGGTCGTAGAACCGCTCCAGGAGCTGGACCACCGTGCTCTTCCCACAGCCACTG[C>A]TGCCCACCAGGGCTAGTGTCTGGCCTTTCTTCACCTCCAGGCTCAGCCCCTGAAGCACTG-3'
Protein context (NP_000434.1, residues 1060-1080): KKGQTLALVG[Ser1070Ile]SGCGKSTVVQ